The following is an entry in ClinVar:

NM_201596.3(CACNB2):c.1817G>A (p.Arg606Gln)

Gene: CACNB2 (calcium voltage-gated channel auxiliary subunit beta 2; plus strand). Cytogenetic location: 10p12.31.
Variant type: single nucleotide variant.
Coding change: c.1817G>A on transcript NM_201596.3 (MANE Select); coding-DNA position 1817, G replaced by A.
Protein change: p.Arg606Gln; replaces arginine 606 with glutamine.
Molecular consequence: missense variant.
Genome position (GRCh38, 1-based): chr10:18,539,558, G>A. VCF-style: chr10-18539558-G-A. GRCh37 (hg19) VCF-style: chr10-18828487-G-A.
Other names: c.1652G>A, p.Arg551Gln (NM_000724.4); c.1619G>A, p.Arg540Gln (NM_001167945.2); c.1538G>A, p.Arg513Gln (NM_001330060.2); c.1559G>A, p.Arg520Gln (NM_001410882.1); c.1673G>A, p.Arg558Gln (NM_201570.3); c.1733G>A, p.Arg578Gln (NM_201571.4); c.1661G>A, p.Arg554Gln (NM_201572.4); c.1655G>A, p.Arg552Gln (NM_201590.3); and 2 more; short protein forms R568Q, R606Q, R513Q, R520Q, R551Q, R540Q, R554Q, R558Q.
Identifiers: ClinVar variation 1985942 (VCV001985942.4), dbSNP rs577739840, ClinGen allele CA5430177.
Genomic context (GRCh38, chr10:18,539,558, plus strand): 5'-GTGACCACAACCACAGAGACGAGACCCACGGGAGCAGTGACCACAGACACAGGGAGTCCC[G>A]GCACCGTTCCCGGGACGTGGATCGAGAGCAGGACCACAACGAGTGCAACAAGCAGCGCAG-3'
Protein context (NP_963890.2, residues 596-616): GSSDHRHRES[Arg606Gln]HRSRDVDREQ

ClinVar aggregate classification (germline): Uncertain significance (1 of 4 stars; one submission).

Conditions:
Brugada syndrome 4 (BRGDA4). Identifiers: Orphanet 130, MedGen C2678477, MONDO:0012743, OMIM 611876.

gnomAD v4.1: 7 of 1,613,312 alleles (0.00043%); highest among the groups gnomAD compares: African/African-American, 0.0027%; no homozygotes.

Submission:

Labcorp Genetics (formerly Invitae), Labcorp
Classification: Uncertain significance for Brugada syndrome 4. Last evaluated: 2022-01-20. Review status: criteria provided, single submitter. Criteria: Invitae Variant Classification Sherloc (09022015). Collection method: clinical testing. Allele origin: germline.
Comment: In summary, the available evidence is currently insufficient to determine the role of this variant in disease. Therefore, it has been classified as a Variant of Uncertain Significance. Algorithms developed to predict the effect of missense changes on protein structure and function are either unavailable or do not agree on the potential impact of this missense change (SIFT: "Tolerated"; PolyPhen-2: "Possibly Damaging"; Align-GVGD: "Class C0"). This variant has not been reported in the literature in individuals affected with CACNB2-related conditions. This variant is present in population databases (rs577739840, gnomAD 0.01%). This sequence change replaces arginine, which is basic and polar, with glutamine, which is neutral and polar, at codon 552 of the CACNB2 protein (p.Arg552Gln).